The following is an entry in ClinVar:

ClinVar aggregate classification (germline): Uncertain significance (1 of 4 stars; one submission).

Conditions:
Charcot-Marie-Tooth disease type 2. Also called: Charcot-Marie-Tooth type 2. Identifiers: Orphanet 64746, MedGen C0270914, MONDO:0018993.

Allele frequency attached by ClinVar (database versions not stated): TOPMed 0.00001; gnomAD 0.00001; gnomAD exomes 0.00001.
gnomAD v4.1: 12 of 1,608,478 alleles (0.00075%); highest among the groups gnomAD compares: Middle Eastern, 0.017%; no homozygotes.

Submission:

Labcorp Genetics (formerly Invitae), Labcorp
Classification: Uncertain significance for Charcot-Marie-Tooth disease type 2. Last evaluated: 2021-12-12. Review status: criteria provided, single submitter. Criteria: Invitae Variant Classification Sherloc (09022015). Collection method: clinical testing. Allele origin: germline.
Comment: This sequence change replaces arginine, which is basic and polar, with leucine, which is neutral and non-polar, at codon 10 of the MED25 protein (p.Arg10Leu). The frequency data for this variant in the population databases is considered unreliable, as metrics indicate poor data quality at this position in the gnomAD database. This variant has not been reported in the literature in individuals affected with MED25-related conditions. Algorithms developed to predict the effect of missense changes on protein structure and function (SIFT, PolyPhen-2, Align-GVGD) all suggest that this variant is likely to be tolerated. In summary, the available evidence is currently insufficient to determine the role of this variant in disease. Therefore, it has been classified as a Variant of Uncertain Significance.

NM_030973.4(MED25):c.29G>T (p.Arg10Leu)

Gene: MED25 (mediator complex subunit 25; plus strand). Cytogenetic location: 19q13.33.
Variant type: single nucleotide variant.
Coding change: c.29G>T on transcript NM_030973.4 (MANE Select); coding-DNA position 29, G replaced by T.
Protein change: p.Arg10Leu; replaces arginine 10 with leucine.
Molecular consequence: missense variant.
Genome position (GRCh38, 1-based): chr19:49,818,370, G>T. VCF-style: chr19-49818370-G-T. GRCh37 (hg19) VCF-style: chr19-50321627-G-T.
Other names: c.29G>T, p.Arg10Leu (NM_001378355.1); short protein forms R10L.
Identifiers: ClinVar variation 1398117 (VCV001398117.3), dbSNP rs545524810, ClinGen allele CA309504023.